The following is an entry in ClinVar:

ClinVar aggregate classification (germline): Uncertain significance. Review status: criteria provided, multiple submitters, no conflicts (2 of 4 stars). 2 submissions from 2 submitters: Uncertain significance (2). Last evaluated 2026-07-29.

Conditions:
Inborn genetic diseases. Identifiers: MedGen C0950123, MeSH D030342.

gnomAD v4.1: 8 of 1,614,250 alleles (0.0005%); highest among the groups gnomAD compares: Admixed American, 0.0033%; no homozygotes.

Submissions (2):

Ambry Genetics
Classification: Uncertain significance for Inborn genetic diseases. Last evaluated: 2026-07-29. Review status: criteria provided, single submitter. Criteria: Ambry Variant Classification Scheme 2023. Collection method: clinical testing. Allele origin: germline.
Comment: The c.818T>C (p.V273A) alteration is located in exon 2 (coding exon 1) of the BBS12 gene. This alteration results from a T to C substitution at nucleotide position 818, causing the valine (V) at amino acid position 273 to be replaced by an alanine (A). Based on data from gnomAD, the C allele has an overall frequency of <0.001% (1/251356) total alleles studied. The highest observed frequency was <0.001% (/) of alleles. Based on insufficient or conflicting evidence, the clinical significance of this alteration remains unclear.

CeGaT Center for Human Genetics Tuebingen
Classification: Uncertain significance. Last evaluated: 2025-08-01. Review status: criteria provided, single submitter. Criteria: CeGaT Center For Human Genetics Tuebingen Variant Classification Criteria Version 2. Collection method: clinical testing. Allele origin: germline. Affected: yes. Observed: 1 variant allele.
Comment: BBS12: PM2, BP4

NM_152618.3(BBS12):c.818T>C (p.Val273Ala)

Gene: BBS12 (Bardet-Biedl syndrome 12; plus strand). Cytogenetic location: 4q27.
Variant type: single nucleotide variant.
Coding change: c.818T>C on transcript NM_152618.3 (MANE Select); coding-DNA position 818, T replaced by C.
Protein change: p.Val273Ala; replaces valine 273 with alanine.
Molecular consequence: missense variant.
Genome position (GRCh38, 1-based): chr4:122,742,710, T>C. VCF-style: chr4-122742710-T-C. GRCh37 (hg19) VCF-style: chr4-123663865-T-C.
Other names: c.818T>C, p.Val273Ala (NM_001178007.2); c.818T>C (NM_152618.2); short protein forms V273A.
Identifiers: ClinVar variation 4084329 (VCV004084329.9).
Genomic context (GRCh38, chr4:122,742,710, plus strand): 5'-AAGAACATGTTACAGCTACTCACAAAACTTACAGATGTAATGATTTGGTAGAGTTGGCAG[T>C]AGGCTTGAGTCATGGAGATCACAGCAGCATGAAGTTAGTAGAAGAAGCAGTACAGCTGCA-3'
Protein context (NP_689831.2, residues 263-283): YRCNDLVELA[Val273Ala]GLSHGDHSSM